The following is an entry in ClinVar:

NM_001370259.2(MEN1):c.288G>A (p.Gln96=)

Gene: MEN1 (menin 1; minus strand). Cytogenetic location: 11q13.1.
Variant type: single nucleotide variant.
Coding change: c.288G>A on transcript NM_001370259.2 (MANE Select); coding-DNA position 288, G replaced by A.
Protein change: p.Gln96=; no amino-acid change (glutamine 96 retained).
Molecular consequence: synonymous variant.
Genome position (GRCh38, 1-based): chr11:64,809,822, C>T on the plus strand (G>A on the coding strand, the complement: MEN1 is on the minus strand). VCF-style: chr11-64809822-C-T. GRCh37 (hg19) VCF-style: chr11-64577294-C-T.
Other names: c.288G>A, p.Gln96= (NM_000244.4, NM_001370251.2, NM_001370260.2 and 9 more transcripts); c.288G>A (NM_130799.2).
Identifiers: ClinVar variation 1572679 (VCV001572679.10), dbSNP rs2136185997, ClinGen allele CA475163601.
Genomic context (GRCh38, chr11:64,809,822, plus strand): 5'-CTCACGGCTGGAGACACCCCCTTCTCGAGGATAGAGGGACAGGTCGACGGCGCCTCGGAT[C>T]TGGGCGGTGAAGCGGGCATAGAGGGCGGCGATGATAGACAGGTCGGCCACGGGAAAGTAG-3'
Protein context (NP_001357188.2, residues 86-106): IAALYARFTA[Gln96=]IRGAVDLSLY

ClinVar aggregate classification (germline): Benign/Likely benign. Review status: criteria provided, multiple submitters, no conflicts (2 of 4 stars). 3 submissions from 3 submitters: Benign (1); Likely benign (2). Last evaluated 2024-10-31.

Conditions:
Hereditary cancer-predisposing syndrome. Also called: Neoplastic Syndromes, Hereditary; Tumor predisposition; Hereditary Cancer Syndrome; Hereditary neoplastic syndrome. Identifiers: Orphanet 140162, MedGen C0027672, MeSH D009386, MONDO:0015356.
Multiple endocrine neoplasia, type 1 (MEN1). Also called: MEN I; WERMER SYNDROME; Endocrine adenomatosis multiple; MEN 1; MEA I. Identifiers: Orphanet 652, MedGen C0025267, MeSH D018761, MONDO:0007540, OMIM 131100.

Allele frequency attached by ClinVar (database versions not stated): gnomAD exomes below 0.00001.
gnomAD v4.1: 1 of 1,613,162 alleles (0.000062%); highest among the groups gnomAD compares: East Asian, 0.0022%; no homozygotes.

Submissions (3):

Myriad Genetics, Inc.
Classification: Benign for Multiple endocrine neoplasia, type 1. Last evaluated: 2024-10-31. Review status: criteria provided, single submitter. Criteria: Myriad Autosomal Dominant, Autosomal Recessive and X-Linked Classification Criteria (2023). Collection method: clinical testing. Allele origin: unknown.
Comment: This variant is considered benign. This variant is a silent/synonymous amino acid change and it is not expected to impact splicing.

Ambry Genetics
Classification: Likely benign for Hereditary cancer-predisposing syndrome. Last evaluated: 2024-07-09. Review status: criteria provided, single submitter. Criteria: Ambry Variant Classification Scheme 2023. Collection method: clinical testing. Allele origin: germline.

Labcorp Genetics (formerly Invitae), Labcorp
Classification: Likely benign for Multiple endocrine neoplasia, type 1. Last evaluated: 2021-08-07. Review status: criteria provided, single submitter. Criteria: Invitae Variant Classification Sherloc (09022015). Collection method: clinical testing. Allele origin: germline.